The following is an entry in ClinVar:

NM_006939.4(SOS2):c.3965T>C (p.Leu1322Pro)

Gene: SOS2 (SOS Ras/Rho guanine nucleotide exchange factor 2; minus strand). Cytogenetic location: 14q21.3.
Variant type: single nucleotide variant.
Coding change: c.3965T>C on transcript NM_006939.4 (MANE Select); coding-DNA position 3965, T replaced by C.
Protein change: p.Leu1322Pro; replaces leucine 1322 with proline.
Molecular consequence: missense variant.
Genome position (GRCh38, 1-based): chr14:50,118,378, A>G on the plus strand (T>C on the coding strand, the complement: SOS2 is on the minus strand). VCF-style: chr14-50118378-A-G. GRCh37 (hg19) VCF-style: chr14-50585096-A-G.
Other names: c.3866T>C, p.Leu1289Pro (NM_001411020.1); short protein forms L1289P, L1322P.
Identifiers: ClinVar variation 1710960 (VCV001710960.1), dbSNP rs2502753477, ClinGen allele CA389636755.

ClinVar aggregate classification (germline): Uncertain significance (1 of 4 stars; one submission).

Conditions:
Noonan syndrome 9 (NS9). Identifiers: Orphanet 648, MedGen C4225282, MONDO:0014691, OMIM 616559.

Submission:

St. Jude Molecular Pathology, St. Jude Children's Research Hospital
Classification: Uncertain significance for Noonan syndrome 9. Last evaluated: 2022-07-12. Review status: criteria provided, single submitter. Criteria: St. Jude Assertion Criteria 2020. Collection method: clinical testing. Allele origin: germline.
Comment: The SOS2 c.3965T>C (p.Leu1322Pro) missense change is absent in gnomAD v2.1.1. The in silico tool REVEL is inconclusive about a pathogenic or benign effect of this variant on protein function, and to our knowledge functional studies have not been performed. This variant occurs in a gene where missense variants are a common mechanism of disease (PP2). To our knowledge, this variant has not been reported in individuals with Noonan syndrome. In summary, the evidence currently available is insufficient to determine the clinical significance of this variant. It has therefore been classified as of uncertain significance.